The following is an entry in ClinVar:

NM_080425.4(GNAS):c.128C>A (p.Pro43His)

Gene: GNAS (GNAS complex locus; plus strand). Cytogenetic location: 20q13.32.
Variant type: single nucleotide variant.
Coding change: c.128C>A on transcript NM_080425.4 (MANE Plus Clinical); coding-DNA position 128, C replaced by A.
Protein change: p.Pro43His; replaces proline 43 with histidine.
Molecular consequence: missense variant. On other transcripts: intron variant (3), 5 prime UTR variant (2).
Genome position (GRCh38, 1-based): chr20:58,853,393, C>A. VCF-style: chr20-58853393-C-A. GRCh37 (hg19) VCF-style: chr20-57428448-C-A.
Other names: c.128C>A, p.Pro43His (NM_001410913.1); c.*42+12507C>A (NM_016592.5); c.43+12507C>A (NM_001410912.1); c.-39+11518C>A (NM_001309861.2); c.-60C>A (NM_001077490.3, NM_001309883.1); short protein forms P43H.
Identifiers: ClinVar variation 3350983 (VCV003350983.1).
Genomic context (GRCh38, chr20:58,853,393, plus strand): 5'-GGGAACAGCCCGAGCAACCACCTTTGGAGGCCCCAGGGGCAGCTGCCCCCGGTGCTGGGC[C>A]TAGCCCAGCCGAAGAGATGGAGACCGAACCGCCTCACAACGAGCCCATCCCCGTCGAGAA-3'
Protein context (NP_536350.2, residues 33-53): APGAAAPGAG[Pro43His]SPAEEMETEP

ClinVar aggregate classification (germline): Uncertain significance (0 of 4 stars; one submission).

Conditions:
GNAS-related disorder. Identifiers: MedGen CN380105.

gnomAD v4.1: 2 of 1,565,918 alleles (0.00013%); highest among the groups gnomAD compares: Non-Finnish European, 0.00017%; no homozygotes.

Submission:

PreventionGenetics, part of Exact Sciences
Classification: Uncertain significance for GNAS-related condition. Last evaluated: 2024-07-05. Review status: no assertion criteria provided. Collection method: clinical testing. Allele origin: germline.
Comment: The GNAS c.128C>A variant is predicted to result in the amino acid substitution p.Pro43His. Of note, in the more commonly reported transcript (NM_000516.5) this variant is pre-coding (c.-38334C>A). To our knowledge, this variant has not been reported in the literature or in a large population database, indicating this variant is rare. At this time, the clinical significance of this variant is uncertain due to the absence of conclusive functional and genetic evidence.